The following is an entry in ClinVar:

ClinVar aggregate classification (germline): Uncertain significance (1 of 4 stars; one submission).

Submission:

Women's Health and Genetics/Laboratory Corporation of America, LabCorp
Classification: Uncertain significance. Last evaluated: 2022-02-23. Review status: criteria provided, single submitter. Criteria: LabCorp Variant Classification Summary - May 2015. Collection method: clinical testing. Allele origin: germline.
Comment: Variant summary: The variant identified by MLPA or other technology involves the duplication of the whole LRPPRC gene (exons 1-38). A presumed nomenclature of c.(?_-59)_(*2377_?)dup has been designated for the purposes of this classification. It has been assumed that this is a tandem duplication in direct orientation (Richardson_GIM_2018, Newman_AJHG_2015). Although exact breakpoints of this duplication are not known, it is expected to result in increased expression of LRPPRC gene. The variant was absent in 21694 control chromosomes. The available data on variant occurrences in the general population are insufficient to allow any conclusion about variant significance. To our knowledge, no occurrence of c.(?_-59)_(*2377_?)dup in individuals affected with Leigh Syndrome, French-Canadian Type and no experimental evidence demonstrating its impact on protein function have been reported. No clinical diagnostic laboratories have submitted clinical-significance assessments for this variant to ClinVar after 2014. Based on the evidence outlined above, the variant was classified as uncertain significance.

NC_000002.11:g.(?_44113362)_(44223145_?)dup

Gene: LRPPRC (leucine rich pentatricopeptide repeat containing; minus strand). Cytogenetic location: 2p21.
Variant type: Duplication.
Identifiers: ClinVar variation 1343728 (VCV001343728.1).